The following is an entry in ClinVar:

NM_001365999.1(SZT2):c.9131C>T (p.Ser3044Leu)

Gene: SZT2 (SZT2 subunit of KICSTOR complex; plus strand). Cytogenetic location: 1p34.2.
Variant type: single nucleotide variant.
Coding change: c.9131C>T on transcript NM_001365999.1 (MANE Select); coding-DNA position 9131, C replaced by T.
Protein change: p.Ser3044Leu; replaces serine 3044 with leucine.
Molecular consequence: missense variant.
Genome position (GRCh38, 1-based): chr1:43,447,013, C>T. VCF-style: chr1-43447013-C-T. GRCh37 (hg19) VCF-style: chr1-43912684-C-T.
Other names: c.8960C>T, p.Ser2987Leu (NM_015284.4); c.572C>T, p.Ser191Leu (NM_024547.1); short protein forms S191L, S2987L, S3044L.
Identifiers: ClinVar variation 1878929 (VCV001878929.5), dbSNP rs776281764, ClinGen allele CA810828.
Genomic context (GRCh38, chr1:43,447,013, plus strand): 5'-AGCTGTCCATGCTGTTCACAGAGGAGTGTGACAAGGTGCGGGACCTGATGCACGTGCACT[C>T]GTTCAGCTATGACTTCCATCTGCGCCTCGTGCATCAGCACGTGCTAGGTGCCCATCTGGT-3'
Protein context (NP_001352928.1, residues 3034-3054): DKVRDLMHVH[Ser3044Leu]FSYDFHLRLV

ClinVar aggregate classification (germline): Uncertain significance. Review status: criteria provided, multiple submitters, no conflicts (2 of 4 stars). 3 submissions from 3 submitters: Uncertain significance (3). Last evaluated 2023-04-11.

Conditions:
Developmental and epileptic encephalopathy, 18 (DEE18). Also called: Early infantile epileptic encephalopathy 18. Identifiers: Orphanet 369894, MedGen C3809624, MONDO:0014201, OMIM 615476.
Inborn genetic diseases. Identifiers: MedGen C0950123, MeSH D030342.

Allele frequency attached by ClinVar (database versions not stated): ExAC 0.00001; gnomAD 0.00001; gnomAD exomes 0.00001; TOPMed 0.00002.
gnomAD v4.1: 9 of 1,613,772 alleles (0.00056%); highest among the groups gnomAD compares: Non-Finnish European, 0.00076%; no homozygotes.

Submissions (3):

Genome-Nilou Lab
Classification: Uncertain significance for Developmental and epileptic encephalopathy, 18. Last evaluated: 2023-04-11. Review status: criteria provided, single submitter. Criteria: ACMG Guidelines, 2015. Collection method: clinical testing. Allele origin: germline. Affected: no.

GeneDx
Classification: Uncertain significance. Last evaluated: 2023-01-08. Review status: criteria provided, single submitter. Criteria: GeneDx Variant Classification Process June 2021. Collection method: clinical testing. Allele origin: germline. Affected: yes.
Comment: Not observed at significant frequency in large population cohorts (gnomAD); In silico analysis supports that this missense variant has a deleterious effect on protein structure/function; Has not been previously published as pathogenic or benign to our knowledge

Ambry Genetics
Classification: Uncertain significance for Inborn genetic diseases. Last evaluated: 2022-09-14. Review status: criteria provided, single submitter. Criteria: Ambry Variant Classification Scheme 2023. Collection method: clinical testing. Allele origin: germline.